The following is an entry in ClinVar:

ClinVar aggregate classification (germline): Uncertain significance. Review status: criteria provided, multiple submitters, no conflicts (2 of 4 stars). 2 submissions from 2 submitters: Uncertain significance (2). Last evaluated 2024-08-31.

Conditions:
Glycine encephalopathy. Also called: Nonketotic hyperglycinemia; Non-ketotic hyperglycinemia. Identifiers: Orphanet 407, MedGen C0751748, MONDO:0011612, HP:0008288.

Allele frequency attached by ClinVar (database versions not stated): ExAC 0.00002; TOPMed 0.00002; gnomAD 0.00003; gnomAD exomes 0.00003; 1000 Genomes Project 0.00020; 1000 Genomes Project 30x 0.00031.

Submissions (2):

Labcorp Genetics (formerly Invitae), Labcorp
Classification: Uncertain significance for Glycine encephalopathy. Last evaluated: 2024-08-31. Review status: criteria provided, single submitter. Criteria: Invitae Variant Classification Sherloc (09022015). Collection method: clinical testing. Allele origin: germline.
Comment: This sequence change replaces arginine, which is basic and polar, with glutamine, which is neutral and polar, at codon 790 of the GLDC protein (p.Arg790Gln). The frequency data for this variant in the population databases is considered unreliable, as metrics indicate poor data quality at this position in the gnomAD database. This variant has not been reported in the literature in individuals affected with GLDC-related conditions. ClinVar contains an entry for this variant (Variation ID: 1508937). Invitae Evidence Modeling of protein sequence and biophysical properties (such as structural, functional, and spatial information, amino acid conservation, physicochemical variation, residue mobility, and thermodynamic stability) indicates that this missense variant is not expected to disrupt GLDC protein function with a negative predictive value of 80%. Algorithms developed to predict the effect of sequence changes on RNA splicing suggest that this variant may disrupt the consensus splice site. This variant disrupts the p.Arg790 amino acid residue in GLDC. Other variant(s) that disrupt this residue have been determined to be pathogenic (PMID: 15192636, 16450403, 27362913, 28244183). This suggests that this residue is clinically significant, and that variants that disrupt this residue are likely to be disease-causing. In summary, the available evidence is currently insufficient to determine the role of this variant in disease. Therefore, it has been classified as a Variant of Uncertain Significance.

Fulgent Genetics
Classification: Uncertain significance for Glycine encephalopathy 1. Last evaluated: 2021-09-24. Review status: criteria provided, single submitter. Criteria: ACMG Guidelines, 2015. Collection method: clinical testing. Allele origin: unknown.

Literature cited by the submitters: PubMed 15192636 (cited by Labcorp Genetics (formerly Invitae), Labcorp); PubMed 16450403 (cited by Labcorp Genetics (formerly Invitae), Labcorp); PubMed 27362913 (cited by Labcorp Genetics (formerly Invitae), Labcorp); PubMed 28244183 (cited by Labcorp Genetics (formerly Invitae), Labcorp).

NM_000170.3(GLDC):c.2369G>A (p.Arg790Gln)

Gene: GLDC (glycine decarboxylase; minus strand). Cytogenetic location: 9p24.1.
Variant type: single nucleotide variant.
Coding change: c.2369G>A on transcript NM_000170.3 (MANE Select); coding-DNA position 2369, G replaced by A.
Protein change: p.Arg790Gln; replaces arginine 790 with glutamine.
Molecular consequence: missense variant.
Genome position (GRCh38, 1-based): chr9:6,553,456, C>T on the plus strand (G>A on the coding strand, the complement: GLDC is on the minus strand). VCF-style: chr9-6553456-C-T. GRCh37 (hg19) VCF-style: chr9-6553456-C-T.
Other names: short protein forms R790Q.
Identifiers: ClinVar variation 1508937 (VCV001508937.5), dbSNP rs187209250, ClinGen allele CA4980250.